The following is an entry in ClinVar:

ClinVar aggregate classification (germline): Likely pathogenic (1 of 4 stars; one submission).

Conditions:
Polyglandular autoimmune syndrome, type 1 (APS1). Also called: AUTOIMMUNE POLYENDOCRINE SYNDROME, TYPE I, WITH OR WITHOUT REVERSIBLE METAPHYSEAL DYSPLASIA; APS I; HYPOADRENOCORTICISM WITH HYPOPARATHYROIDISM AND SUPERFICIAL MONILIASIS; PGA I; Autoimmune polyendocrine syndrome type 1; Whitaker syndrome. Identifiers: Orphanet 3453, MedGen C0085859, MONDO:0009411, OMIM 240300.

Submission:

Dasa
Classification: Likely pathogenic for autoimmune polyendocrine syndrome type 1. Last evaluated: 2025-11-21. Review status: criteria provided, single submitter. Criteria: DASA Assertion Criteria. Collection method: clinical testing. Allele origin: germline.
Comment: NM_000383.4(AIRE):c.905G>A (p.Cys302Tyr) is a missense variant that results in the substitution of cysteine with tyrosine. The affected residue or protein region has prior evidence supporting clinical relevance. This variant has been recurrently observed in individuals with AIRE-related disorders (PMID: 28911151; PMID: 32242017; PMID: 34477806; PMID: 29291257). Functional evidence supports an impact on the gene or gene product (PMID: 28911151; PMID: 26084028; PMID: 32242017; PMID: 34477806; PMID: 29291257). Also, this variant is absent from population databases. Computational evidence supports a deleterious effect. Based on the currently available evidence, this variant is classified as likely pathogenic.

Literature cited by the submitters: PubMed 28911151; PubMed 32242017; PubMed 34477806; PubMed 29291257; PubMed 26084028.

NM_000383.4(AIRE):c.905G>A (p.Cys302Tyr)

Gene: AIRE (autoimmune regulator; plus strand). Cytogenetic location: 21q22.3.
Variant type: single nucleotide variant.
Coding change: c.905G>A on transcript NM_000383.4 (MANE Select); coding-DNA position 905, G replaced by A.
Protein change: p.Cys302Tyr; replaces cysteine 302 with tyrosine.
Molecular consequence: missense variant.
Genome position (GRCh38, 1-based): chr21:44,291,120, G>A. VCF-style: chr21-44291120-G-A. GRCh37 (hg19) VCF-style: chr21-45711003-G-A.
Other names: short protein forms C302Y.
Identifiers: ClinVar variation 4884226 (VCV004884226.2).
Genomic context (GRCh38, chr21:44,291,120, plus strand): 5'-GCCCAGTCTGCATGGGCGTCTCTTGCCTGTGCCAGAAGAATGAGGACGAGTGTGCCGTGT[G>A]TCGGGACGGCGGGGAGCTCATCTGCTGTGACGGCTGCCCTCGGGCCTTCCACCTGGCCTG-3'
Protein context (NP_000374.1, residues 292-312): HQKNEDECAV[Cys302Tyr]RDGGELICCD